The following is an entry in ClinVar:

ClinVar aggregate classification (germline): Uncertain significance (1 of 4 stars; one submission).

Submission:

Women's Health and Genetics/Laboratory Corporation of America, LabCorp
Classification: Uncertain significance. Last evaluated: 2023-09-12. Review status: criteria provided, single submitter. Criteria: LabCorp Variant Classification Summary - May 2015. Collection method: clinical testing. Allele origin: germline.
Comment: Variant summary: ATM c.5197G>C (p.Ala1733Pro) results in a non-conservative amino acid change in the encoded protein sequence. Five of five in-silico tools predict a damaging effect of the variant on protein function. The variant was absent in 251168 control chromosomes. The available data on variant occurrences in the general population are insufficient to allow any conclusion about variant significance. c.5197G>C has been reported in the literature in individuals affected with Ataxia-Telangiectasia (Verhagen_2012). These data do not allow any conclusion about variant significance. To our knowledge, no experimental evidence demonstrating an impact on protein function has been reported. The following publications have been ascertained in the context of this evaluation (PMID: 23566627, 22213089). No submitters have cited clinical-significance assessments for this variant to ClinVar after 2014. Based on the evidence outlined above, the variant was classified as uncertain significance.

Literature cited by the submitters: PubMed 22213089; PubMed 23566627.

NM_000051.4(ATM):c.5197G>C (p.Ala1733Pro)

Gene: ATM (ATM serine/threonine kinase; plus strand). Cytogenetic location: 11q22.3.
Variant type: single nucleotide variant.
Coding change: c.5197G>C on transcript NM_000051.4 (MANE Select); coding-DNA position 5197, G replaced by C.
Protein change: p.Ala1733Pro; replaces alanine 1733 with proline.
Molecular consequence: missense variant.
Genome position (GRCh38, 1-based): chr11:108,301,667, G>C. VCF-style: chr11-108301667-G-C. GRCh37 (hg19) VCF-style: chr11-108172394-G-C.
Other names: c.5197G>C, p.Ala1733Pro (NM_001351834.2); short protein forms A1733P.
Identifiers: ClinVar variation 2627195 (VCV002627195.1), dbSNP rs1591708460, ClinGen allele CA382542170.